The following is an entry in ClinVar:

ClinVar aggregate classification (germline): Uncertain significance. Review status: criteria provided, multiple submitters, no conflicts (2 of 4 stars). 2 submissions from 2 submitters: Uncertain significance (2). Last evaluated 2022-04-01.

Conditions:
Nephronophthisis. Also called: Juvenile Nephronophthisis. Identifiers: Orphanet 655, MedGen C0687120, MONDO:0019005, HP:0000090.
Infantile nephronophthisis (NPHP2). Also called: Nephronophthisis 2; Nephronophthisis 2, infantile. Identifiers: Orphanet 655, Orphanet 93591, MedGen C1865872, MONDO:0011190, OMIM 602088.

Allele frequency attached by ClinVar (database versions not stated): gnomAD exomes below 0.00001.
gnomAD v4.1: 1 of 1,614,184 alleles (0.000062%); highest among the groups gnomAD compares: South Asian, 0.0011%; no homozygotes.

Submissions (2):

Labcorp Genetics (formerly Invitae), Labcorp
Classification: Uncertain significance for Nephronophthisis. Last evaluated: 2022-04-01. Review status: criteria provided, single submitter. Criteria: Invitae Variant Classification Sherloc (09022015). Collection method: clinical testing. Allele origin: germline.
Comment: In summary, the available evidence is currently insufficient to determine the role of this variant in disease. Therefore, it has been classified as a Variant of Uncertain Significance. Algorithms developed to predict the effect of missense changes on protein structure and function (SIFT, PolyPhen-2, Align-GVGD) all suggest that this variant is likely to be tolerated. ClinVar contains an entry for this variant (Variation ID: 364232). This variant has not been reported in the literature in individuals affected with INVS-related conditions. This variant is present in population databases (no rsID available, gnomAD 0.003%). This sequence change replaces threonine, which is neutral and polar, with isoleucine, which is neutral and non-polar, at codon 830 of the INVS protein (p.Thr830Ile).

Illumina Laboratory Services, Illumina
Classification: Uncertain significance for Infantile nephronophthisis. Last evaluated: 2018-01-12. Review status: criteria provided, single submitter. Criteria: ICSL Variant Classification Criteria 13 December 2019. Collection method: clinical testing. Allele origin: germline.

NM_014425.5(INVS):c.2489C>T (p.Thr830Ile)

Gene: INVS (inversin; plus strand). Cytogenetic location: 9q31.1.
Variant type: single nucleotide variant.
Coding change: c.2489C>T on transcript NM_014425.5 (MANE Select); coding-DNA position 2489, C replaced by T.
Protein change: p.Thr830Ile; replaces threonine 830 with isoleucine.
Molecular consequence: missense variant. On other transcripts: non-coding transcript variant (1).
Genome position (GRCh38, 1-based): chr9:100,292,746, C>T. VCF-style: chr9-100292746-C-T. GRCh37 (hg19) VCF-style: chr9-103055028-C-T.
Other names: c.2201C>T, p.Thr734Ile (NM_001318381.2); c.1511C>T, p.Thr504Ile (NM_001318382.2); short protein forms T830I, T504I, T734I.
Identifiers: ClinVar variation 364232 (VCV000364232.10), dbSNP rs886063270, ClinGen allele CA10626038.